The following is an entry in ClinVar:

NM_014712.3(SETD1A):c.3179C>T (p.Ser1060Phe)

Gene: SETD1A (SET domain containing 1A, histone lysine methyltransferase; plus strand). Cytogenetic location: 16p11.2.
Variant type: single nucleotide variant.
Coding change: c.3179C>T on transcript NM_014712.3 (MANE Select); coding-DNA position 3179, C replaced by T.
Protein change: p.Ser1060Phe; replaces serine 1060 with phenylalanine.
Molecular consequence: missense variant.
Genome position (GRCh38, 1-based): chr16:30,971,540, C>T. VCF-style: chr16-30971540-C-T. GRCh37 (hg19) VCF-style: chr16-30982861-C-T.
Other names: short protein forms S1060F.
Identifiers: ClinVar variation 3768708 (VCV003768708.1).
Genomic context (GRCh38, chr16:30,971,540, plus strand): 5'-GCTCCTCATCCTCCTCCTCCTCCTCGTCCTCATCCTCCTCGTCCTCTTCATCCTCTGAGT[C>T]CTCCTCTGAAGATGAAGAGGAAGAGGAGCGGCCAGCAGCCCTTCCCTCAGCCTCCCCGCC-3'
Protein context (NP_055527.1, residues 1050-1070): SSSSSSSSSE[Ser1060Phe]SSEDEEEEER

ClinVar aggregate classification (germline): Uncertain significance (1 of 4 stars; one submission).

gnomAD v4.1: 1 of 1,613,838 alleles (0.000062%); highest among the groups gnomAD compares: Non-Finnish European, 0.000085%; no homozygotes.

Submission:

Women's Health and Genetics/Laboratory Corporation of America, LabCorp
Classification: Uncertain significance. Last evaluated: 2025-02-06. Review status: criteria provided, single submitter. Criteria: LabCorp Variant Classification Summary - May 2015. Collection method: clinical testing. Allele origin: germline.
Comment: Variant summary: SETD1A c.3179C>T (p.Ser1060Phe) results in a non-conservative amino acid change in the encoded protein sequence. Four of five in-silico tools predict a damaging effect of the variant on protein function. The variant was absent in 249602 control chromosomes (gnomAD). The available data on variant occurrences in the general population are insufficient to allow any conclusion about variant significance. To our knowledge, no occurrence of c.3179C>T in individuals affected with Neurodevelopmental Disorder With Speech Impairment And Dysmorphic Facies and no experimental evidence demonstrating its impact on protein function have been reported. No submitters have cited clinical-significance assessments for this variant to ClinVar. Based on the evidence outlined above, the variant was classified as uncertain significance.